The following is an entry in ClinVar:

NM_024334.3(TMEM43):c.841G>T (p.Asp281Tyr)

Gene: TMEM43 (transmembrane protein 43; plus strand). Cytogenetic location: 3p25.1.
Variant type: single nucleotide variant.
Coding change: c.841G>T on transcript NM_024334.3 (MANE Select); coding-DNA position 841, G replaced by T.
Protein change: p.Asp281Tyr; replaces aspartic acid 281 with tyrosine.
Molecular consequence: missense variant.
Genome position (GRCh38, 1-based): chr3:14,135,867, G>T. VCF-style: chr3-14135867-G-T. GRCh37 (hg19) VCF-style: chr3-14177367-G-T.
Other names: c.844G>T, p.Asp282Tyr (NM_001407274.1); c.838G>T, p.Asp280Tyr (NM_001407275.1, NM_001407277.1); c.841G>T, p.Asp281Tyr (NM_001407276.1); c.826G>T, p.Asp276Tyr (NM_001407278.1); c.766G>T, p.Asp256Tyr (NM_001407279.1); c.691G>T, p.Asp231Tyr (NM_001407280.1); short protein forms D231Y, D256Y, D276Y, D280Y, D281Y, D282Y.
Identifiers: ClinVar variation 4756620 (VCV004756620.1).

ClinVar aggregate classification (germline): Uncertain significance (1 of 4 stars; one submission).

Conditions:
Cardiomyopathy (CMYO). Also called: Cardiomyopathies. Identifiers: Orphanet 167848, MedGen C0878544, MONDO:0004994, HP:0001638. Inheritance: Various modes of inheritance.

Submission:

Color Diagnostics, LLC DBA Color Health
Classification: Uncertain significance for Cardiomyopathy. Last evaluated: 2025-07-07. Review status: criteria provided, single submitter. Criteria: ACMG Guidelines, 2015. Collection method: clinical testing. Allele origin: germline.
Comment: This missense variant replaces aspartic acid with tyrosine at codon 281 of the TMEM43 protein. Computational prediction suggests that this variant may not impact protein structure and function. To our knowledge, functional studies have not been reported for this variant. This variant has not been reported in individuals affected with TMEM43-related disorders in the literature. This variant has not been identified in the general population by the Genome Aggregation Database (gnomAD). The available evidence is insufficient to determine the role of this variant in disease conclusively. Therefore, this variant is classified as a Variant of Uncertain Significance.